The following is an entry in ClinVar:

NM_000493.4(COL10A1):c.155-1G>A

Genes: COL10A1 (collagen type X alpha 1 chain; minus strand), NT5DC1 (5'-nucleotidase domain containing 1; plus strand). Cytogenetic location: 6q22.1.
Variant type: single nucleotide variant.
Coding change: c.155-1G>A on transcript NM_000493.4 (MANE Select); the canonical splice acceptor site of the intron before coding-DNA position 155, G replaced by A.
Molecular consequence: splice acceptor variant. On other transcripts: intron variant (1).
Genome position (GRCh38, 1-based): chr6:116,121,962, C>T on the plus strand (G>A on the coding strand, the complement: COL10A1 is on the minus strand). VCF-style: chr6-116121962-C-T. GRCh37 (hg19) VCF-style: chr6-116443125-C-T.
Other names: c.529+4017C>T (NM_152729.3); c.155-1G>A (NM_001424107.1, NM_001424106.1).
Identifiers: ClinVar variation 1371927 (VCV001371927.6), dbSNP rs765816001, ClinGen allele CA3968468.

ClinVar aggregate classification (germline): Uncertain significance (1 of 4 stars; one submission).

Allele frequency attached by ClinVar (database versions not stated): ExAC 0.00001; gnomAD 0.00001; gnomAD exomes 0.00001 and 0.00003; TOPMed 0.00002.
gnomAD v4.1: 8 of 1,611,084 alleles (0.0005%); highest among the groups gnomAD compares: Admixed American, 0.012%; no homozygotes.

Submission:

Labcorp Genetics (formerly Invitae), Labcorp
Classification: Uncertain significance. Last evaluated: 2022-11-08. Review status: criteria provided, single submitter. Criteria: Invitae Variant Classification Sherloc (09022015). Collection method: clinical testing. Allele origin: germline.
Comment: In summary, the available evidence is currently insufficient to determine the role of this variant in disease. Therefore, it has been classified as a Variant of Uncertain Significance. Variants that disrupt the consensus splice site are a relatively common cause of aberrant splicing (PMID: 17576681, 9536098). Algorithms developed to predict the effect of sequence changes on RNA splicing suggest that this variant may disrupt the consensus splice site. ClinVar contains an entry for this variant (Variation ID: 1371927). This variant has not been reported in the literature in individuals affected with COL10A1-related conditions. This variant is present in population databases (rs765816001, gnomAD 0.02%). This sequence change falls in intron 2 of the COL10A1 gene. It does not directly change the encoded amino acid sequence of the COL10A1 protein. It affects a nucleotide within the consensus splice site.

Literature cited by the submitters: PubMed 17576681; PubMed 9536098.